The following is an entry in ClinVar:

ClinVar aggregate classification (germline): Uncertain significance (1 of 4 stars; one submission).

Conditions:
Mitochondrial hypertrophic cardiomyopathy with lactic acidosis due to MTO1 deficiency. Also called: Combined oxidative phosphorylation deficiency 10; CARDIOMYOPATHY, INFANTILE HYPERTROPHIC MITOCHONDRIAL, AND LACTIC ACIDOSIS. Identifiers: Orphanet 314637, MedGen C4749921, MONDO:0013865, OMIM 614702.

Submission:

Labcorp Genetics (formerly Invitae), Labcorp
Classification: Uncertain significance for Mitochondrial hypertrophic cardiomyopathy with lactic acidosis due to MTO1 deficiency. Last evaluated: 2022-03-18. Review status: criteria provided, single submitter. Criteria: Invitae Variant Classification Sherloc (09022015). Collection method: clinical testing. Allele origin: germline.
Comment: This sequence change falls in intron 11 of the MTO1 gene. It does not directly change the encoded amino acid sequence of the MTO1 protein. It affects a nucleotide within the consensus splice site. This variant is present in population databases (no rsID available, gnomAD 0.002%). This variant has not been reported in the literature in individuals affected with MTO1-related conditions. Variants that disrupt the consensus splice site are a relatively common cause of aberrant splicing (PMID: 17576681, 9536098). Algorithms developed to predict the effect of sequence changes on RNA splicing suggest that this variant may disrupt the consensus splice site. In summary, the available evidence is currently insufficient to determine the role of this variant in disease. Therefore, it has been classified as a Variant of Uncertain Significance.

Literature cited by the submitters: PubMed 17576681; PubMed 9536098.

NM_012123.4(MTO1):c.1917+2_1917+3insGAGAAAGTACATTTTAGTCGTCCACAGACGGT

Gene: MTO1 (mitochondrial tRNA translation optimization 1; plus strand). Cytogenetic location: 6q13.
Variant type: Insertion.
Coding change: c.1917+2_1917+3insGAGAAAGTACATTTTAGTCGTCCACAGACGGT on transcript NM_012123.4 (MANE Select); the canonical splice donor site of the intron after coding-DNA position 1917 through 3 bases into the intron after coding-DNA position 1917, GAGAAAGTACATTTTAGTCGTCCACAGACGGT inserted.
Molecular consequence: splice donor variant.
Genome position: GRCh38: chr6:73,497,898-73,497,899. GRCh37 (hg19): chr6:74,207,621-74,207,622.
Other names: c.1992+2_1992+3insGAGAAAGTACATTTTAGTCGTCCACAGACGGT (NM_133645.3); c.2037+2_2037+3insGAGAAAGTACATTTTAGTCGTCCACAGACGGT (NM_001123226.2).
Identifiers: ClinVar variation 1445329 (VCV001445329.3), dbSNP rs1207289132, ClinGen allele CA567678933.